The following is an entry in ClinVar:

NM_033409.4(SLC52A3):c.554C>A (p.Thr185Asn)

Gene: SLC52A3 (solute carrier family 52 member 3; minus strand). Cytogenetic location: 20p13.
Variant type: single nucleotide variant.
Coding change: c.554C>A on transcript NM_033409.4 (MANE Select); coding-DNA position 554, C replaced by A.
Protein change: p.Thr185Asn; replaces threonine 185 with asparagine.
Molecular consequence: missense variant.
Genome position (GRCh38, 1-based): chr20:765,221, G>T on the plus strand (C>A on the coding strand, the complement: SLC52A3 is on the minus strand). VCF-style: chr20-765221-G-T. GRCh37 (hg19) VCF-style: chr20-745865-G-T.
Other names: c.554C>A, p.Thr185Asn (NM_001370085.1, NM_001370086.1); short protein forms T185N.
Identifiers: ClinVar variation 1354047 (VCV001354047.8), dbSNP rs1256931487, ClinGen allele CA407963602.

ClinVar aggregate classification (germline): Uncertain significance (1 of 4 stars; one submission).

Conditions:
Brown-Vialetto-van Laere syndrome 1. Also called: BROWN-VIALETTO-VAN LAERE SYNDROME 1, MILD; BULBAR PALSY, PROGRESSIVE, WITH SENSORINEURAL DEAFNESS; PONTOBULBAR PALSY WITH DEAFNESS. Identifiers: Orphanet 572550, Orphanet 97229, MedGen C0796274, MONDO:0024537, OMIM 211530.

Submission:

Labcorp Genetics (formerly Invitae), Labcorp
Classification: Uncertain significance for Brown-Vialetto-van Laere syndrome 1. Last evaluated: 2022-08-31. Review status: criteria provided, single submitter. Criteria: Invitae Variant Classification Sherloc (09022015). Collection method: clinical testing. Allele origin: germline.
Comment: Algorithms developed to predict the effect of missense changes on protein structure and function output the following: SIFT: "Deleterious"; PolyPhen-2: "Benign"; Align-GVGD: "Class C0". The asparagine amino acid residue is found in multiple mammalian species, which suggests that this missense change does not adversely affect protein function. ClinVar contains an entry for this variant (Variation ID: 1354047). This variant has not been reported in the literature in individuals affected with SLC52A3-related conditions. This variant is not present in population databases (gnomAD no frequency). This sequence change replaces threonine, which is neutral and polar, with asparagine, which is neutral and polar, at codon 185 of the SLC52A3 protein (p.Thr185Asn). In summary, the available evidence is currently insufficient to determine the role of this variant in disease. Therefore, it has been classified as a Variant of Uncertain Significance.